The following is an entry in ClinVar:

ClinVar aggregate classification (germline): Uncertain significance (1 of 4 stars; one submission).

Conditions:
Atrial fibrillation, familial, 7 (ATFB7). Identifiers: MedGen C2677106, MONDO:0012828, OMIM 612240.

Submission:

Labcorp Genetics (formerly Invitae), Labcorp
Classification: Uncertain significance for Atrial fibrillation, familial, 7. Last evaluated: 2021-01-18. Review status: criteria provided, single submitter. Criteria: Invitae Variant Classification Sherloc (09022015). Collection method: clinical testing. Allele origin: germline.
Comment: This sequence change replaces alanine with threonine at codon 501 of the KCNA5 protein (p.Ala501Thr). The alanine residue is highly conserved and there is a small physicochemical difference between alanine and threonine. This variant is not present in population databases (ExAC no frequency). This variant has not been reported in the literature in individuals with KCNA5-related conditions. Algorithms developed to predict the effect of missense changes on protein structure and function are either unavailable or do not agree on the potential impact of this missense change (SIFT: "Deleterious"; PolyPhen-2: "Probably Damaging"; Align-GVGD: "Class C0"). In summary, the available evidence is currently insufficient to determine the role of this variant in disease. Therefore, it has been classified as a Variant of Uncertain Significance.

NM_002234.4(KCNA5):c.1501G>A (p.Ala501Thr)

Gene: KCNA5 (potassium voltage-gated channel subfamily A member 5; plus strand). Cytogenetic location: 12p13.32.
Variant type: single nucleotide variant.
Coding change: c.1501G>A on transcript NM_002234.4 (MANE Select); coding-DNA position 1501, G replaced by A.
Protein change: p.Ala501Thr; replaces alanine 501 with threonine.
Molecular consequence: missense variant.
Genome position (GRCh38, 1-based): chr12:5,045,648, G>A. VCF-style: chr12-5045648-G-A. GRCh37 (hg19) VCF-style: chr12-5154814-G-A.
Other names: short protein forms A501T.
Identifiers: ClinVar variation 1503271 (VCV001503271.8), dbSNP rs2137773628, ClinGen allele CA383466623.